The following is an entry in ClinVar:

NM_013275.6(ANKRD11):c.3437C>A (p.Thr1146Lys)

Gene: ANKRD11 (ankyrin repeat domain 11; minus strand). Cytogenetic location: 16q24.3.
Variant type: single nucleotide variant.
Coding change: c.3437C>A on transcript NM_013275.6 (MANE Select); coding-DNA position 3437, C replaced by A.
Protein change: p.Thr1146Lys; replaces threonine 1146 with lysine.
Molecular consequence: missense variant.
Genome position (GRCh38, 1-based): chr16:89,283,105, G>T on the plus strand (C>A on the coding strand, the complement: ANKRD11 is on the minus strand). VCF-style: chr16-89283105-G-T. GRCh37 (hg19) VCF-style: chr16-89349513-G-T.
Other names: c.3437C>A, p.Thr1146Lys (NM_001256182.2, NM_001256183.2); short protein forms T1146K.
Identifiers: ClinVar variation 3709542 (VCV003709542.2).
Genomic context (GRCh38, chr16:89,283,105, plus strand): 5'-TTCCTGTGTCTGTCGGAGGCATAGGCCTCCCGTCCTTCCTCCTTCTCCTGGAGGCCGTCC[G>T]TCCTCGGCAAGTCGCTGGCCTCTCCCATCTTGAACCCGCTCCCCATGCAGCTGTCTCTGT-3'
Protein context (NP_037407.4, residues 1136-1156): KMGEASDLPR[Thr1146Lys]DGLQEKEEGR

ClinVar aggregate classification (germline): Uncertain significance (1 of 4 stars; one submission).

Conditions:
KBG syndrome (KBGS). Also called: ANKRD11-Related KBG Syndrome. Identifiers: Orphanet 2332, MedGen C0220687, MONDO:0007846, OMIM 148050.

Submission:

Labcorp Genetics (formerly Invitae), Labcorp
Classification: Uncertain significance for KBG syndrome. Last evaluated: 2024-03-03. Review status: criteria provided, single submitter. Criteria: Invitae Variant Classification Sherloc (09022015). Collection method: clinical testing. Allele origin: germline.
Comment: This sequence change replaces threonine, which is neutral and polar, with lysine, which is basic and polar, at codon 1146 of the ANKRD11 protein (p.Thr1146Lys). This variant is not present in population databases (gnomAD no frequency). This variant has not been reported in the literature in individuals affected with ANKRD11-related conditions. Advanced modeling of protein sequence and biophysical properties (such as structural, functional, and spatial information, amino acid conservation, physicochemical variation, residue mobility, and thermodynamic stability) performed at Invitae indicates that this missense variant is not expected to disrupt ANKRD11 protein function with a negative predictive value of 95%. In summary, the available evidence is currently insufficient to determine the role of this variant in disease. Therefore, it has been classified as a Variant of Uncertain Significance.